The following is an entry in ClinVar:

ClinVar aggregate classification (germline): Likely pathogenic (1 of 4 stars; one submission).

Conditions:
Dilated cardiomyopathy 1G (CMD1G). Identifiers: Orphanet 154, MedGen C1858763, MONDO:0011400, OMIM 604145.
Autosomal recessive limb-girdle muscular dystrophy type 2J (LGMDR10). Also called: Limb-girdle muscular dystrophy, type 2J; MUSCULAR DYSTROPHY, LIMB-GIRDLE, AUTOSOMAL RECESSIVE 10. Identifiers: Orphanet 140922, MedGen C1837342, MONDO:0012127, OMIM 608807.

Submission:

Labcorp Genetics (formerly Invitae), Labcorp
Classification: Likely pathogenic for Dilated cardiomyopathy 1G; Autosomal recessive limb-girdle muscular dystrophy type 2J. Last evaluated: 2024-04-16. Review status: criteria provided, single submitter. Criteria: Invitae Variant Classification Sherloc (09022015). Collection method: clinical testing. Allele origin: germline.
Comment: This sequence change creates a premature translational stop signal (p.Lys30683Asnfs*2) in the TTN gene. While this is not anticipated to result in nonsense mediated decay, it is expected to create a truncated TTN protein. This variant is not present in population databases (gnomAD no frequency). This variant has not been reported in the literature in individuals affected with TTN-related conditions. ClinVar contains an entry for this variant (Variation ID: 2067371). Algorithms developed to predict the effect of sequence changes on RNA splicing suggest that this variant may disrupt the consensus splice site. This variant is located in the A band of TTN (PMID: 25589632). Truncating variants in this region are significantly overrepresented in patients affected with dilated cardiomyopathy (PMID: 25589632). Truncating variants in this region have also been reported in individuals affected with autosomal recessive centronuclear myopathy (PMID: 23975875). In summary, the currently available evidence indicates that the variant is pathogenic, but additional data are needed to prove that conclusively. Therefore, this variant has been classified as Likely Pathogenic.

Literature cited by the submitters: PubMed 25589632; PubMed 23975875.

NM_001267550.2(TTN):c.92049del (p.Lys30683fs)

Genes: TTN (titin; minus strand), TTN-AS1 (TTN antisense RNA 1; plus strand). Cytogenetic location: 2q31.2.
Variant type: Deletion.
Coding change: c.92049del on transcript NM_001267550.2 (MANE Select); coding-DNA position 92049, one base deleted (A; older notation c.92049delA).
Protein change: p.Lys30683fs; shifts the reading frame from lysine 30683.
Molecular consequence: frameshift variant.
Genome position (GRCh38, 1-based): chr2:178,549,673, T deleted on the plus strand (A on the coding strand, the reverse complement: TTN is on the minus strand); the first of 3 consecutive T bases (chr2:178,549,673-178,549,675); deleting any one gives the same sequence. VCF-style (leftmost placement, unchanged base first): chr2-178549672-GT-G. GRCh37 (hg19) VCF-style: chr2-179414399-GT-G.
Other names: c.87126del, p.Lys29042fs (NM_001256850.1); c.64854del, p.Lys21618fs (NM_003319.4); c.84345del, p.Lys28115fs (NM_133378.4); c.65229del, p.Lys21743fs (NM_133432.3); c.65430del, p.Lys21810fs (NM_133437.4); short protein forms K21618fs, K28115fs, K29042fs, K21810fs, K21743fs, K30683fs.
Identifiers: ClinVar variation 2067371 (VCV002067371.4), dbSNP rs2469171572, ClinGen allele CA2580064688.
Genomic context (GRCh38, chr2:178,549,672, plus strand): 5'-TGCCAACACCAAACTTGTTAACTGCAGAAACACGGAATTGGTATTCATTGCCGTTTATTA[GT>G]TTAATGGCAGTGTAACTTTGGGCTTCACATTTATCCTCAATTAGTGCCCAGGCAAGTCTG-3'